The following is an entry in ClinVar:

NM_001376256.1(CRYM):c.742G>A (p.Val248Met)

Gene: CRYM (crystallin mu; minus strand). Cytogenetic location: 16p12.2.
Variant type: single nucleotide variant.
Coding change: c.742G>A on transcript NM_001376256.1 (MANE Select); coding-DNA position 742, G replaced by A.
Protein change: p.Val248Met; replaces valine 248 with methionine.
Molecular consequence: missense variant.
Genome position (GRCh38, 1-based): chr16:21,262,090, C>T on the plus strand (G>A on the coding strand, the complement: CRYM is on the minus strand). VCF-style: chr16-21262090-C-T. GRCh37 (hg19) VCF-style: chr16-21273411-C-T.
Other names: c.742G>A, p.Val248Met (NM_001888.5); short protein forms V248M.
Identifiers: ClinVar variation 1493514 (VCV001493514.6), dbSNP rs780473307, ClinGen allele CA7950626.
Genomic context (GRCh38, chr16:21,262,090, plus strand): 5'-GCCTCACCCCTGACAGCAGGACATCTCCAGACTCCTTCAGGGCAGCCTCCTGGGAATCCA[C>T]GTACAGCACAGCTTCTTTCATGAGCTCATCATCCAGTTCTCTCCAGTCAGGTCTGCTGGC-3'
Protein context (NP_001363185.1, residues 238-258): DELMKEAVLY[Val248Met]DSQEAALKES

ClinVar aggregate classification (germline): Uncertain significance (1 of 4 stars; one submission).

Allele frequency attached by ClinVar (database versions not stated): TOPMed 0.00002; ExAC 0.00003; gnomAD exomes 0.00003 and 0.00005; gnomAD 0.00004 and 0.00005.
gnomAD v4.1: 49 of 1,613,988 alleles (0.003%); highest among the groups gnomAD compares: Middle Eastern, 0.016%; no homozygotes.

Submission:

Labcorp Genetics (formerly Invitae), Labcorp
Classification: Uncertain significance. Last evaluated: 2024-10-23. Review status: criteria provided, single submitter. Criteria: Invitae Variant Classification Sherloc (09022015). Collection method: clinical testing. Allele origin: germline.
Comment: This sequence change replaces valine, which is neutral and non-polar, with methionine, which is neutral and non-polar, at codon 248 of the CRYM protein (p.Val248Met). This variant is present in population databases (rs780473307, gnomAD 0.04%). This variant has not been reported in the literature in individuals affected with CRYM-related conditions. ClinVar contains an entry for this variant (Variation ID: 1493514). Invitae Evidence Modeling of protein sequence and biophysical properties (such as structural, functional, and spatial information, amino acid conservation, physicochemical variation, residue mobility, and thermodynamic stability) has been performed for this missense variant. However, the output from this modeling did not meet the statistical confidence thresholds required to predict the impact of this variant on CRYM protein function. In summary, the available evidence is currently insufficient to determine the role of this variant in disease. Therefore, it has been classified as a Variant of Uncertain Significance.